The following is an entry in ClinVar:

ClinVar aggregate classification (germline): Uncertain significance (1 of 4 stars; one submission).

Conditions:
Cardiovascular phenotype. Identifiers: MedGen CN230736.

Allele frequency attached by ClinVar (database versions not stated): gnomAD exomes below 0.00001.
gnomAD v4.1: 1 of 1,614,230 alleles (0.000062%); highest among the groups gnomAD compares: African/African-American, 0.0013%; no homozygotes.

Submission:

Ambry Genetics
Classification: Uncertain significance for Cardiovascular phenotype. Last evaluated: 2023-05-18. Review status: criteria provided, single submitter. Criteria: Ambry Variant Classification Scheme 2023. Collection method: clinical testing. Allele origin: germline.
Comment: The p.M324V variant (also known as c.970A>G), located in coding exon 8 of the ABCG5 gene, results from an A to G substitution at nucleotide position 970. The methionine at codon 324 is replaced by valine, an amino acid with highly similar properties. This amino acid position is conserved. In addition, this alteration is predicted to be tolerated by in silico analysis. Since supporting evidence is limited at this time, the clinical significance of this alteration remains unclear.

NM_022436.3(ABCG5):c.970A>G (p.Met324Val)

Genes: ABCG5 (ATP binding cassette subfamily G member 5; minus strand), DYNC2LI1 (dynein cytoplasmic 2 light intermediate chain 1; plus strand). Cytogenetic location: 2p21.
Variant type: single nucleotide variant.
Coding change: c.970A>G on transcript NM_022436.3 (MANE Select); coding-DNA position 970, A replaced by G.
Protein change: p.Met324Val; replaces methionine 324 with valine.
Molecular consequence: missense variant. On other transcripts: intron variant (2).
Genome position (GRCh38, 1-based): chr2:43,824,367, T>C on the plus strand (A>G on the coding strand, the complement: ABCG5 is on the minus strand). VCF-style: chr2-43824367-T-C. GRCh37 (hg19) VCF-style: chr2-44051506-T-C.
Other names: c.*16-3019T>C (NM_001348913.2, NM_001348912.2); short protein forms M324V.
Identifiers: ClinVar variation 2564009 (VCV002564009.2), dbSNP rs2466007155, ClinGen allele CA346664791.